The following is an entry in ClinVar:

NM_012108.4(STAP1):c.414G>C (p.Leu138=)

Gene: STAP1 (signal transducing adaptor family member 1; plus strand). Cytogenetic location: 4q13.2.
Variant type: single nucleotide variant.
Coding change: c.414G>C on transcript NM_012108.4 (MANE Select); coding-DNA position 414, G replaced by C.
Protein change: p.Leu138=; no amino-acid change (leucine 138 retained).
Molecular consequence: synonymous variant.
Genome position (GRCh38, 1-based): chr4:67,581,355, G>C. VCF-style: chr4-67581355-G-C. GRCh37 (hg19) VCF-style: chr4-68447073-G-C.
Other names: c.414G>C, p.Leu138= (NM_001317769.2); c.414G>C (NM_001317769.1).
Identifiers: ClinVar variation 1198972 (VCV001198972.6), dbSNP rs149803575, ClinGen allele CA2937564.
Genomic context (GRCh38, chr4:67,581,355, plus strand): 5'-TTGGTTTCAGCTGTCAGTTCCCCAAAACGTGTCACTCCTACCTGGGCAAGTAATTAAACT[G>C]CATGAAGTCCTAGAGAGAGAAAAGAAAAGGAGGATTGAGACAGAGCAGAGTACGTCCGTG-3'
Protein context (NP_036240.1, residues 128-148): VSLLPGQVIK[Leu138=]HEVLEREKKR

ClinVar aggregate classification (germline): Likely benign. Review status: criteria provided, multiple submitters, no conflicts (2 of 4 stars). 3 submissions from 3 submitters: Likely benign (2). 1 of the submissions does not count toward it. Last evaluated 2022-05-02.

Conditions:
STAP1-related disorder. Also called: STAP1-related condition.

Allele frequency attached by ClinVar (database versions not stated): ESP Exome Variant Server 0.00023; gnomAD exomes 0.00083 and 0.00156; ExAC 0.00169; 1000 Genomes Project 0.00220; 1000 Genomes Project 30x 0.00234.
gnomAD v4.1: 1,292 of 1,614,014 alleles (0.08%); highest among the groups gnomAD compares: South Asian, 1.1%; 21 homozygotes.

Submissions (3):

Ambry Genetics
Classification: Likely benign. Last evaluated: 2022-05-02. Review status: criteria provided, single submitter. Criteria: Ambry Variant Classification Scheme 2023. Collection method: clinical testing. Allele origin: germline.

GeneDx
Classification: Likely benign. Last evaluated: 2019-05-07. Review status: criteria provided, single submitter. Criteria: GeneDx Variant Classification Process June 2021. Collection method: clinical testing. Allele origin: germline. Affected: yes.

PreventionGenetics, part of Exact Sciences
Classification: Benign for STAP1-related condition. Last evaluated: 2019-04-10. Review status: no assertion criteria provided. Collection method: clinical testing. Allele origin: germline. Not counted in ClinVar's aggregate classification.
Comment: This variant is classified as benign based on ACMG/AMP sequence variant interpretation guidelines (Richards et al. 2015 PMID: 25741868, with internal and published modifications).